The following is an entry in ClinVar:

ClinVar aggregate classification (germline): Uncertain significance (1 of 4 stars; one submission).

Conditions:
Arrhythmogenic right ventricular dysplasia 5. Also called: Arrhythmogenic Right Ventricular Dysplasia/Cardiomyopathy 5; ARRHYTHMOGENIC RIGHT VENTRICULAR DYSPLASIA, FAMILIAL, 5. Identifiers: MedGen C1858379, MONDO:0011459, OMIM 604400.

Submission:

Labcorp Genetics (formerly Invitae), Labcorp
Classification: Uncertain significance for Arrhythmogenic right ventricular dysplasia 5. Last evaluated: 2025-07-14. Review status: criteria provided, single submitter. Criteria: Invitae Variant Classification Sherloc (09022015). Collection method: clinical testing. Allele origin: germline.
Comment: This sequence change replaces leucine, which is neutral and non-polar, with isoleucine, which is neutral and non-polar, at codon 70 of the TMEM43 protein (p.Leu70Ile). This variant is not present in population databases (gnomAD no frequency). This variant has not been reported in the literature in individuals affected with TMEM43-related conditions. ClinVar contains an entry for this variant (Variation ID: 3648461). Invitae Evidence Modeling of protein sequence and biophysical properties (such as structural, functional, and spatial information, amino acid conservation, physicochemical variation, residue mobility, and thermodynamic stability) indicates that this missense variant is not expected to disrupt TMEM43 protein function with a negative predictive value of 80%. In summary, the available evidence is currently insufficient to determine the role of this variant in disease. Therefore, it has been classified as a Variant of Uncertain Significance.

NM_024334.3(TMEM43):c.208C>A (p.Leu70Ile)

Gene: TMEM43 (transmembrane protein 43; plus strand). Cytogenetic location: 3p25.1.
Variant type: single nucleotide variant.
Coding change: c.208C>A on transcript NM_024334.3 (MANE Select); coding-DNA position 208, C replaced by A.
Protein change: p.Leu70Ile; replaces leucine 70 with isoleucine.
Molecular consequence: missense variant.
Genome position (GRCh38, 1-based): chr3:14,130,867, C>A. VCF-style: chr3-14130867-C-A. GRCh37 (hg19) VCF-style: chr3-14172367-C-A.
Other names: c.208C>A, p.Leu70Ile (NM_001407276.1, NM_001407277.1, NM_001407279.1 and 2 more transcripts); c.193C>A, p.Leu65Ile (NM_001407278.1); c.58C>A, p.Leu20Ile (NM_001407280.1); short protein forms L65I, L70I, L20I.
Identifiers: ClinVar variation 3648461 (VCV003648461.2).